The following is an entry in ClinVar:

NM_201253.3(CRB1):c.1253A>C (p.Asn418Thr)

Gene: CRB1 (crumbs cell polarity complex component 1; plus strand). Cytogenetic location: 1q31.3.
Variant type: single nucleotide variant.
Coding change: c.1253A>C on transcript NM_201253.3 (MANE Select); coding-DNA position 1253, A replaced by C.
Protein change: p.Asn418Thr; replaces asparagine 418 with threonine.
Molecular consequence: missense variant. On other transcripts: non-coding transcript variant (2).
Genome position (GRCh38, 1-based): chr1:197,421,081, A>C. VCF-style: chr1-197421081-A-C. GRCh37 (hg19) VCF-style: chr1-197390211-A-C.
Other names: c.1253A>C (NM_201253.2); c.917A>C, p.Asn306Thr (NM_001193640.2); c.1046A>C, p.Asn349Thr (NM_001257965.2); c.1253A>C, p.Asn418Thr (NM_001257966.2); short protein forms N418T, N306T, N349T.
Identifiers: ClinVar variation 1412173 (VCV001412173.9), dbSNP rs539152735, ClinGen allele CA344029969.
Genomic context (GRCh38, chr1:197,421,081, plus strand): 5'-TCAATGAATGTTCTTCAAACCCTTGCCAAAATGGTGGTACTTGTGAGAACTTGCCTGGGA[A>C]TTATACTTGCCATTGCCCATTTGATAACCTTTCTAGAACTTTTTATGGAGGAAGGGACTG-3'
Protein context (NP_957705.1, residues 408-428): NGGTCENLPG[Asn418Thr]YTCHCPFDNL

ClinVar aggregate classification (germline): Uncertain significance. Review status: criteria provided, multiple submitters, no conflicts (2 of 4 stars). 2 submissions from 2 submitters: Uncertain significance (2). Last evaluated 2024-06-28.

Conditions:
Inborn genetic diseases. Identifiers: MedGen C0950123, MeSH D030342.
Leber congenital amaurosis 8 (LCA8). Identifiers: Orphanet 65, MedGen C3151202, MONDO:0013453, OMIM 613835.
Retinitis pigmentosa 12 (RP12). Also called: RP WITH OR WITHOUT PPRPE; RP WITH OR WITHOUT PRESERVED PARAARTERIOLE RETINAL PIGMENT EPITHELIUM; RETINITIS PIGMENTOSA WITH OR WITHOUT PARAARTERIOLAR PRESERVATION OF RETINAL PIGMENT EPITHELIUM. Identifiers: Orphanet 791, MedGen C1838647, MONDO:0010818, OMIM 600105.

Allele frequency attached by ClinVar (database versions not stated): TOPMed below 0.00001.
gnomAD v4.1: 3 of 1,614,222 alleles (0.00019%); highest among the groups gnomAD compares: Non-Finnish European, 0.00025%; no homozygotes.

Submissions (2):

Ambry Genetics
Classification: Uncertain significance for Inborn genetic diseases. Last evaluated: 2024-06-28. Review status: criteria provided, single submitter. Criteria: Ambry Variant Classification Scheme 2023. Collection method: clinical testing. Allele origin: germline.

Labcorp Genetics (formerly Invitae), Labcorp
Classification: Uncertain significance for Leber congenital amaurosis 8; Retinitis pigmentosa 12. Last evaluated: 2022-05-11. Review status: criteria provided, single submitter. Criteria: Invitae Variant Classification Sherloc (09022015). Collection method: clinical testing. Allele origin: germline.
Comment: This sequence change replaces asparagine, which is neutral and polar, with threonine, which is neutral and polar, at codon 418 of the CRB1 protein (p.Asn418Thr). This variant is not present in population databases (gnomAD no frequency). This variant has not been reported in the literature in individuals affected with CRB1-related conditions. Advanced modeling of protein sequence and biophysical properties (such as structural, functional, and spatial information, amino acid conservation, physicochemical variation, residue mobility, and thermodynamic stability) performed at Invitae indicates that this missense variant is not expected to disrupt CRB1 protein function. In summary, the available evidence is currently insufficient to determine the role of this variant in disease. Therefore, it has been classified as a Variant of Uncertain Significance.